The following is an entry in ClinVar:

NM_001633.4(AMBP):c.802G>A (p.Gly268Ser)

Gene: AMBP (alpha-1-microglobulin/bikunin precursor; minus strand). Cytogenetic location: 9q32.
Variant type: single nucleotide variant.
Coding change: c.802G>A on transcript NM_001633.4 (MANE Select); coding-DNA position 802, G replaced by A.
Protein change: p.Gly268Ser; replaces glycine 268 with serine.
Molecular consequence: missense variant.
Genome position (GRCh38, 1-based): chr9:114,061,475, C>T on the plus strand (G>A on the coding strand, the complement: AMBP is on the minus strand). VCF-style: chr9-114061475-C-T. GRCh37 (hg19) VCF-style: chr9-116823755-C-T.
Other names: short protein forms G268S.
Identifiers: ClinVar variation 2659437 (VCV002659437.24), dbSNP rs779164504, ClinGen allele CA5199961.

ClinVar aggregate classification (germline): Likely benign (1 of 4 stars; one submission).

Allele frequency attached by ClinVar (database versions not stated): TOPMed below 0.00001; ExAC 0.00001; gnomAD 0.00001.
gnomAD v4.1: 17 of 1,613,988 alleles (0.0011%); highest among the groups gnomAD compares: Middle Eastern, 0.016%; no homozygotes.

Submission:

CeGaT Center for Human Genetics Tuebingen
Classification: Likely benign. Last evaluated: 2022-04-01. Review status: criteria provided, single submitter. Criteria: CeGaT Center For Human Genetics Tuebingen Variant Classification Criteria Version 2. Collection method: clinical testing. Allele origin: germline. Affected: yes. Observed: 1 variant allele.
Comment: AMBP: BP4